The following is an entry in ClinVar:

NM_017617.5(NOTCH1):c.6946A>G (p.Ser2316Gly)

Gene: NOTCH1 (notch receptor 1; minus strand). Cytogenetic location: 9q34.3.
Variant type: single nucleotide variant.
Coding change: c.6946A>G on transcript NM_017617.5 (MANE Select); coding-DNA position 6946, A replaced by G.
Protein change: p.Ser2316Gly; replaces serine 2316 with glycine.
Molecular consequence: missense variant.
Genome position (GRCh38, 1-based): chr9:136,496,793, T>C on the plus strand (A>G on the coding strand, the complement: NOTCH1 is on the minus strand). VCF-style: chr9-136496793-T-C. GRCh37 (hg19) VCF-style: chr9-139391245-T-C.
Other names: short protein forms S2316G.
Identifiers: ClinVar variation 2562283 (VCV002562283.2), dbSNP rs776938186, ClinGen allele CA5339783.

ClinVar aggregate classification (germline): Uncertain significance (1 of 4 stars; one submission).

Conditions:
Familial thoracic aortic aneurysm and aortic dissection (TAAD). Also called: Thoracic aortic aneurysms and dissections. Identifiers: Orphanet 91387, MedGen C4707243, MONDO:0019625.

Allele frequency attached by ClinVar (database versions not stated): gnomAD exomes below 0.00001; TOPMed 0.00001; ExAC 0.00002.
gnomAD v4.1: 7 of 1,612,872 alleles (0.00043%); highest among the groups gnomAD compares: African/African-American, 0.008%; no homozygotes.

Submission:

Ambry Genetics
Classification: Uncertain significance for Familial thoracic aortic aneurysm and aortic dissection. Last evaluated: 2023-04-29. Review status: criteria provided, single submitter. Criteria: Ambry Variant Classification Scheme 2023. Collection method: clinical testing. Allele origin: germline.
Comment: The p.S2316G variant (also known as c.6946A>G), located in coding exon 34 of the NOTCH1 gene, results from an A to G substitution at nucleotide position 6946. The serine at codon 2316 is replaced by glycine, an amino acid with similar properties. This amino acid position is conserved. In addition, this alteration is predicted to be tolerated by in silico analysis. Since supporting evidence is limited at this time, the clinical significance of this alteration remains unclear.